The following is an entry in ClinVar:

NM_005151.4(USP14):c.761+6C>T

Gene: USP14 (ubiquitin specific peptidase 14; plus strand). Cytogenetic location: 18p11.32.
Variant type: single nucleotide variant.
Coding change: c.761+6C>T on transcript NM_005151.4 (MANE Select); 6 bases into the intron after coding-DNA position 761, C replaced by T.
Molecular consequence: intron variant.
Genome position (GRCh38, 1-based): chr18:198,138, C>T. VCF-style: chr18-198138-C-T. GRCh37 (hg19) VCF-style: chr18-198138-C-T.
Other names: c.656+6C>T (NM_001037334.2).
Identifiers: ClinVar variation 4813879 (VCV004813879.1).

ClinVar aggregate classification (germline): Uncertain significance (1 of 4 stars; one submission).

gnomAD v4.1: 1 of 1,600,070 alleles (0.000062%); highest among the groups gnomAD compares: Non-Finnish European, 0.000085%; no homozygotes.

Submission:

GeneDx
Classification: Uncertain significance. Last evaluated: 2023-02-14. Review status: criteria provided, single submitter. Criteria: GeneDx Variant Classification Process June 2021. Collection method: clinical testing. Allele origin: germline. Affected: yes.
Comment: Not observed at significant frequency in large population cohorts (gnomAD); In silico analysis supports a deleterious effect on splicing; Has not been previously published as pathogenic or benign to our knowledge; Variants in candidate genes are classified as variants of uncertain significance in accordance with ACMG guidelines (Richards et al., 2015)